The following is an entry in ClinVar:

NM_021828.5(HPSE2):c.57dup (p.Ala20fs)

Gene: HPSE2 (heparanase 2 (inactive); minus strand). Cytogenetic location: 10q24.2.
Variant type: Duplication.
Coding change: c.57dup on transcript NM_021828.5 (MANE Select); coding-DNA position 57, one base duplicated (C; older notation c.57dupC).
Protein change: p.Ala20fs; shifts the reading frame from alanine 20.
Molecular consequence: frameshift variant.
Genome position (GRCh38, 1-based): chr10:99,235,746, G duplicated on the plus strand (C on the coding strand, the reverse complement: HPSE2 is on the minus strand); the first of 7 consecutive G bases (chr10:99,235,746-99,235,752); duplicating any one gives the same sequence. VCF-style (leftmost placement, unchanged base first): chr10-99235745-C-CG. GRCh37 (hg19) VCF-style: chr10-100995502-C-CG.
Other names: c.57dupC (NM_021828.4); c.57dup, p.Ala20fs (NM_001166244.1, NM_001166245.1, NM_001166246.1); short protein forms A20fs.
Identifiers: ClinVar variation 90 (VCV000000090.4), dbSNP rs778121647, ClinGen allele CA5640084.

ClinVar aggregate classification (germline): Pathogenic. Review status: criteria provided, multiple submitters, no conflicts (2 of 4 stars). 3 submissions from 3 submitters: Pathogenic (2). 1 of the submissions does not count toward it. Last evaluated 2024-05-14.

Conditions:
HPSE2-related disorder. Also called: HPSE2-related condition.
Urofacial syndrome type 1. Also called: HPSE2-Related Urofacial Syndrome. Identifiers: Orphanet 2704, MedGen CN033872, MONDO:0009368, OMIM 236730.

Submissions (3):

Fulgent Genetics
Classification: Pathogenic for Urofacial syndrome type 1. Last evaluated: 2024-05-14. Review status: criteria provided, single submitter. Criteria: ACMG Guidelines, 2015. Collection method: clinical testing. Allele origin: germline.

PreventionGenetics, part of Exact Sciences
Classification: Pathogenic for HPSE2-related condition. Last evaluated: 2022-10-07. Review status: criteria provided, single submitter. Criteria: ACMG Guidelines, 2015. Collection method: clinical testing. Allele origin: germline.
Comment: The HPSE2 c.57dupC variant is predicted to result in a frameshift and premature protein termination (p.Ala20Argfs*45). This variant was reported in the homozygous state in five affected members of a family with urofacial syndrome. The variant was reported to segregate with disease in the family (Daly et al. 2010. PubMed ID: 20560210). This variant is reported in 0.019% of alleles in individuals of Ashkenazi Jewish descent in gnomAD. Frameshift variants in HPSE2 are expected to be pathogenic. Taken together, this variant is interpreted as pathogenic.

OMIM
Classification: Pathogenic for UROFACIAL SYNDROME 1. Last evaluated: 2010-06-11. Review status: no assertion criteria provided. Collection method: literature only. Allele origin: germline. Not counted in ClinVar's aggregate classification.

Literature cited by the submitters: PubMed 19669792 (cited by OMIM); PubMed 20560210 (cited by OMIM).